The following is an entry in ClinVar:

ClinVar aggregate classification (germline): Uncertain significance (1 of 4 stars; one submission).

Conditions:
Hereditary spastic paraplegia 30. Identifiers: Orphanet 101010, MedGen C5235139, MONDO:0012476.
Neuropathy, hereditary sensory, type 2C. Also called: Hereditary sensory and autonomic neuropathy type IIC; KIF1A-Related HSAN2 (HSAN2C). Identifiers: Orphanet 970, MedGen C3280168, MONDO:0013634, OMIM 614213.
Intellectual disability, autosomal dominant 9 (NESCAVS). Also called: NESCAV SYNDROME; KIF1A-Related Neurodevelopmental Disorder. Identifiers: Orphanet 662367, MedGen C5393830, MONDO:0013656, OMIM 614255.

Submission:

Labcorp Genetics (formerly Invitae), Labcorp
Classification: Uncertain significance for Hereditary spastic paraplegia 30; Neuropathy, hereditary sensory, type 2C; Intellectual disability, autosomal dominant 9. Last evaluated: 2023-02-10. Review status: criteria provided, single submitter. Criteria: Invitae Variant Classification Sherloc (09022015). Collection method: clinical testing. Allele origin: germline.
Comment: Variants that disrupt the consensus splice site are a relatively common cause of aberrant splicing (PMID: 17576681, 9536098). Algorithms developed to predict the effect of sequence changes on RNA splicing suggest that this variant is not likely to affect RNA splicing. In summary, the available evidence is currently insufficient to determine the role of this variant in disease. Therefore, it has been classified as a Variant of Uncertain Significance. This sequence change falls in intron 8 of the KIF1A gene. It does not directly change the encoded amino acid sequence of the KIF1A protein. It affects a nucleotide within the consensus splice site. This variant has not been reported in the literature in individuals affected with KIF1A-related conditions. This variant is not present in population databases (gnomAD no frequency).

Literature cited by the submitters: PubMed 17576681; PubMed 9536098.

NM_001244008.2(KIF1A):c.864+3G>A

Gene: KIF1A (kinesin family member 1A; minus strand). Cytogenetic location: 2q37.3.
Variant type: single nucleotide variant.
Coding change: c.864+3G>A on transcript NM_001244008.2 (MANE Select); 3 bases into the intron after coding-DNA position 864, G replaced by A.
Molecular consequence: intron variant.
Genome position (GRCh38, 1-based): chr2:240,783,041, C>T on the plus strand (G>A on the coding strand, the complement: KIF1A is on the minus strand). VCF-style: chr2-240783041-C-T. GRCh37 (hg19) VCF-style: chr2-241722458-C-T.
Other names: c.864+3G>A (NM_001379653.1, NM_001379650.1, NM_001379645.1 and 20 more transcripts).
Identifiers: ClinVar variation 1897562 (VCV001897562.5), dbSNP rs2538257703, ClinGen allele CA2580067999.